The following is an entry in ClinVar:

ClinVar aggregate classification (germline): Likely benign. Review status: criteria provided, multiple submitters, no conflicts (2 of 4 stars). 4 submissions from 4 submitters: Likely benign (3). 1 of the submissions does not count toward it. Last evaluated 2025-06-24.

Conditions:
BRCA2-related disorder. Also called: BRCA2-related condition; BRCA2-related disorders. Identifiers: MedGen CN239275.
Hereditary cancer-predisposing syndrome. Also called: Hereditary Cancer Syndrome; Hereditary neoplastic syndrome; Neoplastic Syndromes, Hereditary; Tumor predisposition. Identifiers: Orphanet 140162, MedGen C0027672, MeSH D009386, MONDO:0015356.
Hereditary breast ovarian cancer syndrome. Also called: Hereditary breast and ovarian cancer syndrome; Hereditary breast and ovarian cancer; Breast and ovarian cancer; BRCA1- and BRCA2-Associated Hereditary Breast and Ovarian Cancer; Hereditary breast and/or ovarian cancer syndrome; Hereditary breast and ovarian cancer syndrome (HBOC). Identifiers: Orphanet 145, MedGen C0677776, MeSH D061325, MONDO:0003582. Disease mechanism: loss of function.

Allele frequency attached by ClinVar (database versions not stated): gnomAD exomes below 0.00001.
gnomAD v4.1: 1 of 1,614,168 alleles (0.000062%); highest among the groups gnomAD compares: Non-Finnish European, 0.000085%; no homozygotes.

Submissions (4):

Ambry Genetics
Classification: Likely benign for Hereditary cancer-predisposing syndrome. Last evaluated: 2025-06-24. Review status: criteria provided, single submitter. Criteria: Ambry Variant Classification Scheme 2023. Collection method: clinical testing. Allele origin: germline.

Labcorp Genetics (formerly Invitae), Labcorp
Classification: Likely benign for Hereditary breast ovarian cancer syndrome. Last evaluated: 2022-12-03. Review status: criteria provided, single submitter. Criteria: Invitae Variant Classification Sherloc (09022015). Collection method: clinical testing. Allele origin: germline.

GeneDx
Classification: Likely benign. Last evaluated: 2016-01-05. Review status: criteria provided, single submitter. Criteria: GeneDx Variant Classification (06012015). Collection method: clinical testing. Allele origin: germline. Affected: yes.
Comment: This variant is considered likely benign or benign based on one or more of the following criteria: it is a conservative change, it occurs at a poorly conserved position in the protein, it is predicted to be benign by multiple in silico algorithms, and/or has population frequency not consistent with disease.

PreventionGenetics, part of Exact Sciences
Classification: Likely benign for BRCA2-related condition. Last evaluated: 2024-09-25. Review status: no assertion criteria provided. Collection method: clinical testing. Allele origin: germline. Not counted in ClinVar's aggregate classification.
Comment: This variant is classified as likely benign based on ACMG/AMP sequence variant interpretation guidelines (Richards et al. 2015 PMID: 25741868, with internal and published modifications).

NM_000059.4(BRCA2):c.8733A>G (p.Ala2911=)

Gene: BRCA2 (BRCA2 DNA repair associated; plus strand). Cytogenetic location: 13q13.1.
Variant type: single nucleotide variant.
Coding change: c.8733A>G on transcript NM_000059.4 (MANE Select); coding-DNA position 8733, A replaced by G.
Protein change: p.Ala2911=; no amino-acid change (alanine 2911 retained).
Molecular consequence: synonymous variant.
Genome position (GRCh38, 1-based): chr13:32,376,770, A>G. VCF-style: chr13-32376770-A-G. GRCh37 (hg19) VCF-style: chr13-32950907-A-G.
Identifiers: ClinVar variation 382831 (VCV000382831.12), dbSNP rs1057521463, ClinGen allele CA16606454.